The following is an entry in ClinVar:

ClinVar aggregate classification (germline): Uncertain significance. Review status: criteria provided, multiple submitters, no conflicts (2 of 4 stars). 2 submissions from 2 submitters: Uncertain significance (2). Last evaluated 2023-12-13.

Allele frequency attached by ClinVar (database versions not stated): gnomAD exomes below 0.00001.

Submissions (2):

Ambry Genetics
Classification: Uncertain significance. Last evaluated: 2023-12-13. Review status: criteria provided, single submitter. Criteria: Ambry Variant Classification Scheme 2023. Collection method: clinical testing. Allele origin: germline.

Labcorp Genetics (formerly Invitae), Labcorp
Classification: Uncertain significance. Last evaluated: 2022-04-06. Review status: criteria provided, single submitter. Criteria: Invitae Variant Classification Sherloc (09022015). Collection method: clinical testing. Allele origin: germline.
Comment: This sequence change replaces alanine, which is neutral and non-polar, with valine, which is neutral and non-polar, at codon 26 of the GSC protein (p.Ala26Val). This variant is present in population databases (no rsID available, gnomAD 0.02%). This variant has not been reported in the literature in individuals affected with GSC-related conditions. Algorithms developed to predict the effect of missense changes on protein structure and function are either unavailable or do not agree on the potential impact of this missense change (SIFT: "Deleterious"; PolyPhen-2: "Benign"; Align-GVGD: "Class C0"). In summary, the available evidence is currently insufficient to determine the role of this variant in disease. Therefore, it has been classified as a Variant of Uncertain Significance.

NM_173849.3(GSC):c.77C>T (p.Ala26Val)

Gene: GSC (goosecoid homeobox; minus strand). Cytogenetic location: 14q32.13.
Variant type: single nucleotide variant.
Coding change: c.77C>T on transcript NM_173849.3 (MANE Select); coding-DNA position 77, C replaced by T.
Protein change: p.Ala26Val; replaces alanine 26 with valine.
Molecular consequence: missense variant.
Genome position (GRCh38, 1-based): chr14:94,769,939, G>A on the plus strand (C>T on the coding strand, the complement: GSC is on the minus strand). VCF-style: chr14-94769939-G-A. GRCh37 (hg19) VCF-style: chr14-95236276-G-A.
Other names: c.77C>T (NM_173849.2); short protein forms A26V.
Identifiers: ClinVar variation 1925627 (VCV001925627.6), dbSNP rs1006202219, ClinGen allele CA265934458.